The following is an entry in ClinVar:

NM_022827.4(SPATA20):c.2157+7G>A

Gene: SPATA20 (spermatogenesis associated 20; plus strand). Cytogenetic location: 17q21.33.
Variant type: single nucleotide variant.
Coding change: c.2157+7G>A on transcript NM_022827.4 (MANE Select); 7 bases into the intron after coding-DNA position 2157, G replaced by A.
Molecular consequence: intron variant.
Genome position (GRCh38, 1-based): chr17:50,554,457, G>A. VCF-style: chr17-50554457-G-A. GRCh37 (hg19) VCF-style: chr17-48631818-G-A.
Other names: c.1977+7G>A (NM_001258373.2); c.2109+7G>A (NM_001258372.2).
Identifiers: ClinVar variation 3387879 (VCV003387879.14).

ClinVar aggregate classification (germline): Likely benign (1 of 4 stars; one submission).

gnomAD v4.1: 1,652 of 1,609,110 alleles (0.1%); highest among the groups gnomAD compares: Middle Eastern, 0.94%; 9 homozygotes.

Submission:

CeGaT Center for Human Genetics Tuebingen
Classification: Likely benign. Last evaluated: 2024-11-01. Review status: criteria provided, single submitter. Criteria: CeGaT Center For Human Genetics Tuebingen Variant Classification Criteria Version 2. Collection method: clinical testing. Allele origin: germline. Affected: yes. Observed: 1 variant allele.
Comment: SPATA20: BP4